The following is an entry in ClinVar:

NM_001134407.3(GRIN2A):c.3838C>A (p.Gln1280Lys)

Gene: GRIN2A (glutamate ionotropic receptor NMDA type subunit 2A; minus strand). Cytogenetic location: 16p13.2.
Variant type: single nucleotide variant.
Coding change: c.3838C>A on transcript NM_001134407.3 (MANE Select); coding-DNA position 3838, C replaced by A.
Protein change: p.Gln1280Lys; replaces glutamine 1280 with lysine.
Molecular consequence: missense variant. On other transcripts: intron variant (1).
Genome position (GRCh38, 1-based): chr16:9,763,706, G>T on the plus strand (C>A on the coding strand, the complement: GRIN2A is on the minus strand). VCF-style: chr16-9763706-G-T. GRCh37 (hg19) VCF-style: chr16-9857563-G-T.
Other names: c.3838C>A, p.Gln1280Lys (NM_000833.5); c.3772+66C>A (NM_001134408.2); short protein forms Q1280K.
Identifiers: ClinVar variation 2715599 (VCV002715599.3), dbSNP rs1555482197, ClinGen allele CA394706738.

ClinVar aggregate classification (germline): Uncertain significance (1 of 4 stars; one submission).

Conditions:
Landau-Kleffner syndrome (FESD). Also called: APHASIA, ACQUIRED, WITH EPILEPSY; EPILEPSY, FOCAL, WITH SPEECH DISORDER AND WITH OR WITHOUT MENTAL RETARDATION. Identifiers: Orphanet 1945, Orphanet 725, Orphanet 98818, MedGen C0282512, MONDO:0009509, OMIM 245570.

Allele frequency attached by ClinVar (database versions not stated): TOPMed 0.00001.

Submission:

Labcorp Genetics (formerly Invitae), Labcorp
Classification: Uncertain significance for Landau-Kleffner syndrome. Last evaluated: 2024-03-04. Review status: criteria provided, single submitter. Criteria: Invitae Variant Classification Sherloc (09022015). Collection method: clinical testing. Allele origin: germline.
Comment: This sequence change replaces glutamine, which is neutral and polar, with lysine, which is basic and polar, at codon 1280 of the GRIN2A protein (p.Gln1280Lys). This variant is not present in population databases (gnomAD no frequency). This variant has not been reported in the literature in individuals affected with GRIN2A-related conditions. Advanced modeling of protein sequence and biophysical properties (such as structural, functional, and spatial information, amino acid conservation, physicochemical variation, residue mobility, and thermodynamic stability) performed at Invitae indicates that this missense variant is not expected to disrupt GRIN2A protein function with a negative predictive value of 95%. In summary, the available evidence is currently insufficient to determine the role of this variant in disease. Therefore, it has been classified as a Variant of Uncertain Significance.